The following is an entry in ClinVar:

NM_004415.4(DSP):c.4817A>G (p.Lys1606Arg)

Gene: DSP (desmoplakin; plus strand). Cytogenetic location: 6p24.3.
Variant type: single nucleotide variant.
Coding change: c.4817A>G on transcript NM_004415.4 (MANE Select); coding-DNA position 4817, A replaced by G.
Protein change: p.Lys1606Arg; replaces lysine 1606 with arginine.
Molecular consequence: missense variant. On other transcripts: intron variant (2).
Genome position (GRCh38, 1-based): chr6:7,581,007, A>G. VCF-style: chr6-7581007-A-G. GRCh37 (hg19) VCF-style: chr6-7581240-A-G.
Other names: c.4050+767A>G (NM_001319034.2); c.3582+1235A>G (NM_001008844.3); short protein forms K1606R.
Identifiers: ClinVar variation 4788387 (VCV004788387.1).
Genomic context (GRCh38, chr6:7,581,007, plus strand): 5'-AAGACTCCTGCAAGAGGAAGAAGCTGGAGGAAGAGCTGGAAGGCATGAGGAGGTCGCTGA[A>G]GGAGCAAGCCATCAAAATCACCAACCTGACCCAGCAGCTGGAGCAGGCATCCATTGTTAA-3'
Protein context (NP_004406.2, residues 1596-1616): EELEGMRRSL[Lys1606Arg]EQAIKITNLT

ClinVar aggregate classification (germline): Uncertain significance (1 of 4 stars; one submission).

Conditions:
Arrhythmogenic right ventricular dysplasia 8 (ARVD8). Also called: Arrhythmogenic Right Ventricular Dysplasia/Cardiomyopathy 8; ARRHYTHMOGENIC RIGHT VENTRICULAR DYSPLASIA, FAMILIAL, 8; ARRHYTHMOGENIC RIGHT VENTRICULAR CARDIOMYOPATHY 8. Identifiers: MedGen C1843896, MONDO:0011831, OMIM 607450.
Arrhythmogenic cardiomyopathy with wooly hair and keratoderma. Also called: Arrhythmogenic cardiomyopathy with woolly hair and keratoderma; PALMOPLANTAR KERATODERMA WITH LEFT VENTRICULAR CARDIOMYOPATHY AND WOOLLY HAIR; Carvajal syndrome; Dilated cardiomyopathy with woolly hair and keratoderma. Identifiers: Orphanet 65282, MedGen C1854063, MONDO:0011581, OMIM 605676.

gnomAD v4.1: 1 of 1,614,064 alleles (0.000062%); highest among the groups gnomAD compares: Non-Finnish European, 0.000085%; no homozygotes.

Submission:

Labcorp Genetics (formerly Invitae), Labcorp
Classification: Uncertain significance for Arrhythmogenic cardiomyopathy with wooly hair and keratoderma; Arrhythmogenic right ventricular dysplasia 8. Last evaluated: 2025-09-01. Review status: criteria provided, single submitter. Criteria: Invitae Variant Classification Sherloc (09022015). Collection method: clinical testing. Allele origin: germline.
Comment: This sequence change replaces lysine, which is basic and polar, with arginine, which is basic and polar, at codon 1606 of the DSP protein (p.Lys1606Arg). This variant is not present in population databases (gnomAD no frequency). This variant has not been reported in the literature in individuals affected with DSP-related conditions. An algorithm developed to predict the effect of missense changes on protein structure and function (PolyPhen-2) suggests that this variant is likely to be tolerated. In summary, the available evidence is currently insufficient to determine the role of this variant in disease. Therefore, it has been classified as a Variant of Uncertain Significance.